The following is an entry in ClinVar:

ClinVar aggregate classification (germline): Uncertain significance. Review status: criteria provided, multiple submitters, no conflicts (2 of 4 stars). 2 submissions from 2 submitters: Uncertain significance (2). Last evaluated 2022-03-14.

Conditions:
Autoinflammatory syndrome. Identifiers: Orphanet 93665, MedGen C3890737, MONDO:0019751.
Psoriasis 2. Identifiers: MedGen C1864497, MONDO:0011269, OMIM 602723.
Pityriasis rubra pilaris (PRP). Also called: Pityriasis rubra pilaris--familial type. Identifiers: Orphanet 2897, MedGen C0032027, MONDO:0100017, OMIM 173200, MONDO:0008251.

Allele frequency attached by ClinVar (database versions not stated): gnomAD exomes 0.00001.
gnomAD v4.1: 7 of 1,559,824 alleles (0.00045%); highest among the groups gnomAD compares: Admixed American, 0.0019%; no homozygotes.

Submissions (2):

Genome Diagnostics Laboratory, The Hospital for Sick Children
Classification: Uncertain significance for Autoinflammatory syndrome. Last evaluated: 2022-03-14. Review status: criteria provided, single submitter. Criteria: ACMG Guidelines, 2015. Collection method: clinical testing. Allele origin: germline. Affected: yes.

Labcorp Genetics (formerly Invitae), Labcorp
Classification: Uncertain significance for Pityriasis rubra pilaris; Psoriasis 2. Last evaluated: 2022-02-12. Review status: criteria provided, single submitter. Criteria: Invitae Variant Classification Sherloc (09022015). Collection method: clinical testing. Allele origin: germline.
Comment: This sequence change replaces serine, which is neutral and polar, with proline, which is neutral and non-polar, at codon 880 of the CARD14 protein (p.Ser880Pro). This variant is present in population databases (rs754405150, gnomAD 0.004%). This variant has not been reported in the literature in individuals affected with CARD14-related conditions. Algorithms developed to predict the effect of missense changes on protein structure and function output the following: SIFT: "Tolerated"; PolyPhen-2: "Benign"; Align-GVGD: "Class C0". The proline amino acid residue is found in multiple mammalian species, which suggests that this missense change does not adversely affect protein function. In summary, the available evidence is currently insufficient to determine the role of this variant in disease. Therefore, it has been classified as a Variant of Uncertain Significance.

NM_001366385.1(CARD14):c.2638T>C (p.Ser880Pro)

Genes: CARD14 (caspase recruitment domain family member 14; plus strand), SGSH (N-sulfoglucosamine sulfohydrolase; minus strand), LOC126862662 (MED14-independent group 3 enhancer GRCh37_chr17:78178385-78179584; plus strand). Cytogenetic location: 17q25.3.
Variant type: single nucleotide variant.
Coding change: c.2638T>C on transcript NM_001366385.1 (MANE Select); coding-DNA position 2638, T replaced by C.
Protein change: p.Ser880Pro; replaces serine 880 with proline.
Molecular consequence: missense variant. On other transcripts: non-coding transcript variant (1).
Genome position (GRCh38, 1-based): chr17:80,205,599, T>C. VCF-style: chr17-80205599-T-C. GRCh37 (hg19) VCF-style: chr17-78179398-T-C.
Other names: c.2638T>C, p.Ser880Pro (NM_024110.4); short protein forms S880P.
Identifiers: ClinVar variation 1694237 (VCV001694237.8), dbSNP rs754405150, ClinGen allele CA8817396.